The following is an entry in ClinVar:

ClinVar aggregate classification (germline): Pathogenic (1 of 4 stars; one submission).

Conditions:
Familial cancer of breast. Also called: Hereditary breast cancer; hereditary breast carcinoma; BREAST CANCER, FAMILIAL. Identifiers: Orphanet 227535, MedGen C0346153, MONDO:0016419, OMIM 114480. Disease mechanism: loss of function.

Submission:

Labcorp Genetics (formerly Invitae), Labcorp
Classification: Pathogenic for Familial cancer of breast. Last evaluated: 2020-06-21. Review status: criteria provided, single submitter. Criteria: Invitae Variant Classification Sherloc (09022015). Collection method: clinical testing. Allele origin: germline.
Comment: For these reasons, this variant has been classified as Pathogenic. This sequence change creates a premature translational stop signal (p.Leu512Argfs*28) in the BARD1 gene. It is expected to result in an absent or disrupted protein product. This variant is not present in population databases (ExAC no frequency). This variant has not been reported in the literature in individuals with BARD1-related conditions. Loss-of-function variants in BARD1 are known to be pathogenic (PMID: 20077502, 21344236).

Literature cited by the submitters: PubMed 20077502; PubMed 21344236.

NM_000465.4(BARD1):c.1535del (p.Leu512fs)

Gene: BARD1 (BRCA1 associated RING domain 1; minus strand). Cytogenetic location: 2q35.
Variant type: Deletion.
Coding change: c.1535del on transcript NM_000465.4 (MANE Select); coding-DNA position 1535, one base deleted (T; older notation c.1535delT).
Protein change: p.Leu512fs; shifts the reading frame from leucine 512.
Molecular consequence: frameshift variant. On other transcripts: non-coding transcript variant (3), intron variant (3).
Genome position (GRCh38, 1-based): chr2:214,767,515, A deleted on the plus strand (T on the coding strand, the reverse complement: BARD1 is on the minus strand). VCF-style (leftmost placement, unchanged base first): chr2-214767514-CA-C. GRCh37 (hg19) VCF-style: chr2-215632238-CA-C.
Other names: c.1478del, p.Leu493fs (NM_001282543.2); c.159-14960del (NM_001282548.2); c.216-14960del (NM_001282545.2); c.364+24782del (NM_001282549.2); short protein forms L493fs, L512fs.
Identifiers: ClinVar variation 1073711 (VCV001073711.8), dbSNP rs2106076377, ClinGen allele CA2499215612.
Genomic context (GRCh38, chr2:214,767,514, plus strand): 5'-AAAATAATTTTTACGTTGAACTACTTACACAGCATTTCTGGAGGCTCCATAGGAAAGTAA[CA>C]GCTTGACTATATCCACATGCCCATTCTTGGCTGCATCGTGAAGTGGTGAGTCATTTTGAT-3'